The following is an entry in ClinVar:

ClinVar aggregate classification (germline): Likely benign (1 of 4 stars; one submission).

gnomAD v4.1: 88 of 1,592,206 alleles (0.0055%); highest among the groups gnomAD compares: South Asian, 0.032%; no homozygotes.

Submission:

CeGaT Center for Human Genetics Tuebingen
Classification: Likely benign. Last evaluated: 2026-04-01. Review status: criteria provided, single submitter. Criteria: CeGaT Center For Human Genetics Tuebingen Variant Classification Criteria Version 2. Collection method: clinical testing. Allele origin: germline. Affected: yes. Observed: 1 variant allele.
Comment: MED16: BP4, BP7

NM_005481.3(MED16):c.588C>T (p.Ser196=)

Gene: MED16 (mediator complex subunit 16; minus strand). Cytogenetic location: 19p13.3.
Variant type: single nucleotide variant.
Coding change: c.588C>T on transcript NM_005481.3 (MANE Select); coding-DNA position 588, C replaced by T.
Protein change: p.Ser196=; no amino-acid change (serine 196 retained).
Molecular consequence: synonymous variant.
Genome position (GRCh38, 1-based): chr19:886,061, G>A on the plus strand (C>T on the coding strand, the complement: MED16 is on the minus strand). VCF-style: chr19-886061-G-A. GRCh37 (hg19) VCF-style: chr19-886061-G-A.
Identifiers: ClinVar variation 4872260 (VCV004872260.2).